The following is an entry in ClinVar:

NM_001374828.1(ARID1B):c.3924dup (p.Ser1309fs)

Gene: ARID1B (AT-rich interaction domain 1B; plus strand). Cytogenetic location: 6q25.3.
Variant type: Duplication.
Coding change: c.3924dup on transcript NM_001374828.1 (MANE Select); coding-DNA position 3924, one base duplicated (C; older notation c.3924dupC).
Protein change: p.Ser1309fs; shifts the reading frame from serine 1309.
Molecular consequence: frameshift variant.
Genome position (GRCh38, 1-based): chr6:157,189,646, C duplicated. VCF-style (leftmost placement, unchanged base first): chr6-157189645-A-AC. GRCh37 (hg19) VCF-style: chr6-157510779-A-AC.
Other names: c.3555dupC (NM_020732.3); c.1425dup, p.Ser476fs (NM_001363725.2); c.3804dup, p.Ser1269fs (NM_001371656.1, NM_001374820.1); c.3765dup, p.Ser1256fs (NM_017519.3); short protein forms S1256fs, S1269fs, S1309fs, S476fs.
Identifiers: ClinVar variation 3254704 (VCV003254704.1), dbSNP rs2538498109.

ClinVar aggregate classification (germline): Pathogenic (1 of 4 stars; one submission).

Conditions:
Coffin-Siris syndrome 1 (CSS1). Also called: Mental retardation, autosomal dominant 12; ARID1B-Related Coffin-Siris Syndrome. Identifiers: Orphanet 1465, MedGen C3281201, MONDO:0007617, OMIM 135900. Disease mechanism: gain of function.

Submission:

Victorian Clinical Genetics Services, Murdoch Childrens Research Institute
Classification: Pathogenic for Coffin-Siris syndrome 1. Last evaluated: 2023-07-16. Review status: criteria provided, single submitter. Criteria: ACMG Guidelines, 2015. Collection method: clinical testing. Allele origin: germline. Inheritance: Autosomal dominant inheritance. Affected: yes.
Comment: Based on the classification scheme VCGS_Germline_v1.3.4, this variant is classified as Pathogenic. Following criteria are met: 0102 - Loss of function is a known mechanism of disease in this gene and is associated with Coffin-Siris syndrome 1 (MIM#135900). (I) 0107 - This gene is associated with autosomal dominant disease. (I) 0115 - Variants in this gene are known to have variable expressivity (PMID: 33768696). (I) 0201 - Variant is predicted to cause nonsense-mediated decay (NMD) and loss of protein (premature termination codon is located at least 54 nucleotides upstream of the final exon-exon junction). (SP) 0251 - This variant is heterozygous. (I) 0301 - Variant is absent from gnomAD (both v2 and v3). (SP) 0701 - Other variants predicted to result in NMD comparable to the one identified in this case have very strong previous evidence for pathogenicity (DECIPHER). (SP) 0807 - This variant has no previous evidence of pathogenicity. (I) 0905 - No published segregation evidence has been identified for this variant. (I) 1007 - No published functional evidence has been identified for this variant. (SP) Legend: (SP) - Supporting pathogenic, (I) - Information, (SB) - Supporting benign

Literature cited by the submitters: PubMed 33768696.